The following is an entry in ClinVar:

ClinVar aggregate classification (germline): Uncertain significance. Review status: criteria provided, multiple submitters, no conflicts (2 of 4 stars). 2 submissions from 2 submitters: Uncertain significance (2). Last evaluated 2026-01-20.

Conditions:
Hereditary cancer-predisposing syndrome. Also called: Tumor predisposition; Hereditary Cancer Syndrome; Hereditary neoplastic syndrome; Neoplastic Syndromes, Hereditary. Identifiers: Orphanet 140162, MedGen C0027672, MeSH D009386, MONDO:0015356.

Submissions (2):

Ambry Genetics
Classification: Uncertain significance for Hereditary cancer-predisposing syndrome. Last evaluated: 2026-01-20. Review status: criteria provided, single submitter. Criteria: Ambry Variant Classification Scheme 2023. Collection method: clinical testing. Allele origin: germline.
Comment: The c.443_444delTG variant, located in coding exon 1 of the HOXB13 gene, results from a deletion of two nucleotides at nucleotide positions 443 to 444, causing a translational frameshift with a predicted alternate stop codon (p.V148Gfs*13). This variant is expected to result in protein truncation or nonsense-mediated mRNA decay. However, loss of function has not been established as a mechanism of disease. Based on the available evidence, the clinical significance of this variant remains unclear.

Labcorp Genetics (formerly Invitae), Labcorp
Classification: Uncertain significance. Last evaluated: 2023-10-08. Review status: criteria provided, single submitter. Criteria: Invitae Variant Classification Sherloc (09022015). Collection method: clinical testing. Allele origin: germline.
Comment: This sequence change creates a premature translational stop signal (p.Val148Glyfs*13) in the HOXB13 gene. It is expected to result in an absent or disrupted protein product. However, the current clinical and genetic evidence is not sufficient to establish whether loss-of-function variants in HOXB13 cause disease. This variant is not present in population databases (gnomAD no frequency). This variant has not been reported in the literature in individuals affected with HOXB13-related conditions. In summary, the available evidence is currently insufficient to determine the role of this variant in disease. Therefore, it has been classified as a Variant of Uncertain Significance.

NM_006361.6(HOXB13):c.443_444del (p.Val148fs)

Gene: HOXB13 (homeobox B13; minus strand). Cytogenetic location: 17q21.32.
Variant type: Microsatellite.
Coding change: c.443_444del on transcript NM_006361.6 (MANE Select); coding-DNA positions 443 to 444, 2 bases deleted (TG; older notation c.443_444delTG).
Protein change: p.Val148fs; shifts the reading frame from valine 148.
Molecular consequence: frameshift variant.
Genome position (GRCh38, 1-based): chr17:48,728,150-48,728,151, CA deleted on the plus strand (TG on the coding strand, the reverse complement: HOXB13 is on the minus strand); deleting any 2 consecutive bases within chr17:48,728,150-48,728,153 gives the same sequence; the c. name uses the placement nearest the transcript's 3' end. VCF-style (leftmost placement, unchanged base first): chr17-48728149-CCA-C. GRCh37 (hg19) VCF-style: chr17-46805511-CCA-C.
Other names: c.441_442TG[1], p.Val148Glyfs (NM_006361.5); c.443_444delTG (NM_006361.5); short protein forms V148fs.
Identifiers: ClinVar variation 2766812 (VCV002766812.4), dbSNP rs2509514986, ClinGen allele CA2697560291.
Genomic context (GRCh38, chr17:48,728,149, plus strand): 5'-AACTGTCCACAGGCAACAGGGAGTCATGTCGCGGTTCTCCAGGAGCACCCAGAGTCTGCA[CCA>C]CAGACACGTCCAGGTAACTGGCCATAGGCTGGTAGGTTCCCGGATATCCCGGATAGAAGG-3'